The following is an entry in ClinVar:

ClinVar aggregate classification (germline): Pathogenic (1 of 4 stars; one submission).

Conditions:
Citrullinemia. Identifiers: Orphanet 187, MedGen C0175683, MONDO:0015991.

Submission:

Labcorp Genetics (formerly Invitae), Labcorp
Classification: Pathogenic for Citrullinemia. Last evaluated: 2023-05-23. Review status: criteria provided, single submitter. Criteria: Invitae Variant Classification Sherloc (09022015). Collection method: clinical testing. Allele origin: unknown.
Comment: This variant is a gross deletion of the genomic region encompassing exon(s) 6-9 of the ASS1 gene. This variant would be expected to be in-frame, preserving the integrity of the reading frame. For these reasons, this variant has been classified as Pathogenic. This variant disrupts a region of the ASS1 protein in which other variant(s) (p.Asp124Asn) have been determined to be pathogenic (PMID: 16475226, 27287393). This suggests that this is a clinically significant region of the protein, and that variants that disrupt it are likely to be disease-causing. This variant has not been reported in the literature in individuals affected with ASS1-related conditions.

Literature cited by the submitters: PubMed 16475226; PubMed 27287393.

NC_000009.11:g.(?_133339478)_(133346922_?)del

Gene: ASS1 (argininosuccinate synthase 1; plus strand). Cytogenetic location: 9q34.11.
Variant type: Deletion.
Identifiers: ClinVar variation 3245094 (VCV003245094.1).